The following is an entry in ClinVar:

ClinVar aggregate classification (germline): Uncertain significance (1 of 4 stars; one submission).

Submission:

Labcorp Genetics (formerly Invitae), Labcorp
Classification: Uncertain significance. Last evaluated: 2022-08-07. Review status: criteria provided, single submitter. Criteria: Invitae Variant Classification Sherloc (09022015). Collection method: clinical testing. Allele origin: germline.
Comment: This variant has not been reported in the literature in individuals affected with NEFH-related conditions. This variant is not present in population databases (gnomAD no frequency). This sequence change replaces glycine, which is neutral and non-polar, with aspartic acid, which is acidic and polar, at codon 22 of the NEFH protein (p.Gly22Asp). In summary, the available evidence is currently insufficient to determine the role of this variant in disease. Therefore, it has been classified as a Variant of Uncertain Significance. Advanced modeling of protein sequence and biophysical properties (such as structural, functional, and spatial information, amino acid conservation, physicochemical variation, residue mobility, and thermodynamic stability) performed at Invitae indicates that this missense variant is not expected to disrupt NEFH protein function.

NM_021076.4(NEFH):c.65G>A (p.Gly22Asp)

Gene: NEFH (neurofilament heavy chain; plus strand). Cytogenetic location: 22q12.2.
Variant type: single nucleotide variant.
Coding change: c.65G>A on transcript NM_021076.4 (MANE Select); coding-DNA position 65, G replaced by A.
Protein change: p.Gly22Asp; replaces glycine 22 with aspartic acid.
Molecular consequence: missense variant.
Genome position (GRCh38, 1-based): chr22:29,480,327, G>A. VCF-style: chr22-29480327-G-A. GRCh37 (hg19) VCF-style: chr22-29876316-G-A.
Other names: short protein forms G22D.
Identifiers: ClinVar variation 1715443 (VCV001715443.5), dbSNP rs2517968057, ClinGen allele CA411121114.
Genomic context (GRCh38, chr22:29,480,327, plus strand): 5'-TGAGCTTCGGCGGCGCGGACGCGCTGCTGGGCGCCCCGTTCGCGCCGCTGCATGGCGGCG[G>A]CAGCCTCCACTACGCGCTAGCCCGAAAGGGTGGCGCAGGCGGGACGCGCTCCGCCGCTGG-3'
Protein context (NP_066554.2, residues 12-32): GAPFAPLHGG[Gly22Asp]SLHYALARKG